The following is an entry in ClinVar:

NM_001203.3(BMPR1B):c.539T>A (p.Ile180Asn)

Gene: BMPR1B (bone morphogenetic protein receptor type 1B; plus strand). Cytogenetic location: 4q22.3.
Variant type: single nucleotide variant.
Coding change: c.539T>A on transcript NM_001203.3 (MANE Select); coding-DNA position 539, T replaced by A.
Protein change: p.Ile180Asn; replaces isoleucine 180 with asparagine.
Molecular consequence: missense variant.
Genome position (GRCh38, 1-based): chr4:95,125,075, T>A. VCF-style: chr4-95125075-T-A. GRCh37 (hg19) VCF-style: chr4-96046226-T-A.
Other names: c.539T>A, p.Ile180Asn (NM_001256792.2, NM_001256794.1); c.629T>A, p.Ile210Asn (NM_001256793.2); short protein forms I180N, I210N.
Identifiers: ClinVar variation 4782652 (VCV004782652.1).

ClinVar aggregate classification (germline): Uncertain significance (1 of 4 stars; one submission).

Conditions:
Acromesomelic dysplasia 3 (AMD3). Also called: CHONDRODYSPLASIA, ACROMESOMELIC, WITH OR WITHOUT GENITAL ANOMALIES; Acromesomelic dysplasia, Demirhan type. Identifiers: MedGen C4225404, MONDO:0012274, OMIM 609441.
Type A2 brachydactyly (BDA2). Also called: BRACHYMESOPHALANGY II; MOHR-WRIEDT TYPE BRACHYDACTYLY; Brachymesophalangy type 2. Identifiers: Orphanet 93396, MedGen C1832702, MONDO:0007216, OMIM 112600, HP:0009372.

gnomAD v4.1: 6 of 1,613,702 alleles (0.00037%); highest among the groups gnomAD compares: South Asian, 0.0022%; no homozygotes.

Submission:

Labcorp Genetics (formerly Invitae), Labcorp
Classification: Uncertain significance for Type A2 brachydactyly; Acromesomelic dysplasia 3. Last evaluated: 2025-05-06. Review status: criteria provided, single submitter. Criteria: Invitae Variant Classification Sherloc (09022015). Collection method: clinical testing. Allele origin: germline.
Comment: This sequence change replaces isoleucine, which is neutral and non-polar, with asparagine, which is neutral and polar, at codon 180 of the BMPR1B protein (p.Ile180Asn). This variant is not present in population databases (gnomAD no frequency). This variant has not been reported in the literature in individuals affected with BMPR1B-related conditions. Invitae Evidence Modeling of protein sequence and biophysical properties (such as structural, functional, and spatial information, amino acid conservation, physicochemical variation, residue mobility, and thermodynamic stability) indicates that this missense variant is not expected to disrupt BMPR1B protein function with a negative predictive value of 80%. In summary, the available evidence is currently insufficient to determine the role of this variant in disease. Therefore, it has been classified as a Variant of Uncertain Significance.